The following is an entry in ClinVar:

NM_006158.5(NEFL):c.638T>C (p.Ile213Thr)

Gene: NEFL (neurofilament light chain; minus strand). Cytogenetic location: 8p21.2.
Variant type: single nucleotide variant.
Coding change: c.638T>C on transcript NM_006158.5 (MANE Select); coding-DNA position 638, T replaced by C.
Protein change: p.Ile213Thr; replaces isoleucine 213 with threonine.
Molecular consequence: missense variant.
Genome position (GRCh38, 1-based): chr8:24,955,878, A>G on the plus strand (T>C on the coding strand, the complement: NEFL is on the minus strand). VCF-style: chr8-24955878-A-G. GRCh37 (hg19) VCF-style: chr8-24813392-A-G.
Other names: short protein forms I213T.
Identifiers: ClinVar variation 1199179 (VCV001199179.4), dbSNP rs2117254829, ClinGen allele CA370621966.

ClinVar aggregate classification (germline): Uncertain significance (1 of 4 stars; one submission).

Conditions:
Charcot-Marie-Tooth disease. Also called: Charcot-Marie-Tooth Neuropathy; Charcot-Marie-Tooth Hereditary Neuropathy. Identifiers: Orphanet 166, MedGen C0007959, MONDO:0015626.

Submission:

Illumina Laboratory Services, Illumina
Classification: Uncertain significance for Charcot-Marie-Tooth disease. Last evaluated: 2021-02-12. Review status: criteria provided, single submitter. Criteria: ICSLVariantClassificationCriteria RUGD 01 April 2020. Collection method: clinical testing. Allele origin: unknown.
Comment: The NEFL c.638T>C (p.Ile213Thr) variant is a missense variant. A literature search was performed for the gene, cDNA change, and amino acid change. No publications were found based on this search. This variant is not found in the Genome Aggregation Database in a region of good sequence coverage, so the variant is presumed to be rare. Based on the limited evidence, the p.Ile213Thr variant is classified as a variant of uncertain significance for Charcot-Marie-Tooth disease.